The following is an entry in ClinVar:

ClinVar aggregate classification (germline): Uncertain significance (1 of 4 stars; one submission).

Conditions:
LAMA2-related muscular dystrophy (LAMA2-RD). Also called: Laminin alpha 2-related dystrophy. Identifiers: MedGen C5679788, MONDO:0100228.

Allele frequency attached by ClinVar (database versions not stated): gnomAD exomes 0.00001 and 0.00002; TOPMed 0.00001; ExAC 0.00002.
gnomAD v4.1: 16 of 1,612,920 alleles (0.00099%); highest among the groups gnomAD compares: South Asian, 0.0088%; no homozygotes.

Submission:

Labcorp Genetics (formerly Invitae), Labcorp
Classification: Uncertain significance for LAMA2-related muscular dystrophy. Last evaluated: 2021-09-17. Review status: criteria provided, single submitter. Criteria: Invitae Variant Classification Sherloc (09022015). Collection method: clinical testing. Allele origin: germline.
Comment: This sequence change replaces arginine with cysteine at codon 1366 of the LAMA2 protein (p.Arg1366Cys). The arginine residue is weakly conserved and there is a large physicochemical difference between arginine and cysteine. This variant is present in population databases (rs779253125, ExAC 0.02%). This variant has not been reported in the literature in individuals with LAMA2-related conditions. Algorithms developed to predict the effect of missense changes on protein structure and function are either unavailable or do not agree on the potential impact of this missense change (SIFT: "Tolerated"; PolyPhen-2: "Possibly Damaging"; Align-GVGD: "Class C0"). In summary, the available evidence is currently insufficient to determine the role of this variant in disease. Therefore, it has been classified as a Variant of Uncertain Significance.

NM_000426.4(LAMA2):c.4096C>T (p.Arg1366Cys)

Gene: LAMA2 (laminin subunit alpha 2; plus strand). Cytogenetic location: 6q22.33.
Variant type: single nucleotide variant.
Coding change: c.4096C>T on transcript NM_000426.4 (MANE Select); coding-DNA position 4096, C replaced by T.
Protein change: p.Arg1366Cys; replaces arginine 1366 with cysteine.
Molecular consequence: missense variant.
Genome position (GRCh38, 1-based): chr6:129,320,575, C>T. VCF-style: chr6-129320575-C-T. GRCh37 (hg19) VCF-style: chr6-129641720-C-T.
Other names: c.4096C>T, p.Arg1366Cys (NM_001079823.2); short protein forms R1366C.
Identifiers: ClinVar variation 1388885 (VCV001388885.5), dbSNP rs779253125, ClinGen allele CA3993445.